The following is an entry in ClinVar:

ClinVar aggregate classification (germline): Benign. Review status: criteria provided, multiple submitters, no conflicts (2 of 4 stars). 8 submissions from 7 submitters: Benign (5). 3 of the submissions do not count toward it. Last evaluated 2026-07-01.

Conditions:
Basal cell nevus syndrome 1 (BCNS1). Also called: GORLIN-GOLTZ SYNDROME; MULTIPLE BASAL CELL NEVI, ODONTOGENIC KERATOCYSTS, AND SKELETAL ANOMALIES. Identifiers: MedGen CN376810, MONDO:0958174, OMIM 109400.
Basal cell carcinoma, susceptibility to, 1. Also called: BCC1. Identifiers: MedGen C2751544, MONDO:0011556, OMIM 605462.
Gorlin syndrome. Also called: Nevoid Basal Cell Carcinoma Syndrome; Basal cell nevus syndrome. Identifiers: Orphanet 377, MedGen C0004779, MONDO:0007187.

Allele frequency attached by ClinVar (database versions not stated): 1000 Genomes Project 30x 0.00187; 1000 Genomes Project 0.00220; ESP Exome Variant Server 0.00354; TOPMed 0.00372; ExAC 0.00519; gnomAD 0.00524 and 0.00534; gnomAD exomes 0.00535 and 0.00648.
gnomAD v4.1: 10,150 of 1,614,010 alleles (0.63%); highest among the groups gnomAD compares: East Asian, 1.3%; 56 homozygotes.

Submissions (8):

CeGaT Center for Human Genetics Tuebingen
Classification: Benign. Last evaluated: 2026-07-01. Review status: criteria provided, single submitter. Criteria: CeGaT Center For Human Genetics Tuebingen Variant Classification Criteria Version 2. Collection method: clinical testing. Allele origin: germline. Affected: yes. Observed: 68 variant alleles.
Comment: PTCH2: BP4, BP7, BS1, BS2

Labcorp Genetics (formerly Invitae), Labcorp
Classification: Benign for Gorlin syndrome. Last evaluated: 2026-02-02. Review status: criteria provided, single submitter. Criteria: Invitae Variant Classification Sherloc (09022015). Collection method: clinical testing. Allele origin: germline.

KCCC/NGS Laboratory, Kuwait Cancer Control Center
Classification: Benign for Basal cell nevus syndrome 1. Last evaluated: 2025-02-01. Review status: criteria provided, single submitter. Criteria: ACMG Guidelines, 2015. Collection method: clinical testing. Allele origin: germline. Affected: no.

KCCC/NGS Laboratory, Kuwait Cancer Control Center
Classification: Benign for Basal cell carcinoma, susceptibility to, 1. Last evaluated: 2023-07-07. Review status: criteria provided, single submitter. Criteria: ACMG Guidelines, 2015. Collection method: clinical testing. Allele origin: germline. Affected: yes.

Breakthrough Genomics
Classification: Benign. Review status: criteria provided, single submitter. Criteria: ACMG Guidelines, 2015. Collection method: not provided. Allele origin: germline. Inheritance: Autosomal recessive inheritance. Affected: yes.

Clinical Genetics DNA and cytogenetics Diagnostics Lab, Erasmus MC, Erasmus Medical Center
Classification: Likely benign. Review status: no assertion criteria provided. Collection method: clinical testing. Allele origin: germline. Affected: yes. Study: VKGL Data-share Consensus. Not counted in ClinVar's aggregate classification.

Diagnostic Laboratory, Department of Genetics, University Medical Center Groningen
Classification: Likely benign. Review status: no assertion criteria provided. Collection method: clinical testing. Allele origin: germline. Affected: yes. Study: VKGL Data-share Consensus. Not counted in ClinVar's aggregate classification.

Genome Diagnostics Laboratory, Amsterdam University Medical Center
Classification: Benign. Review status: no assertion criteria provided. Collection method: clinical testing. Allele origin: germline. Affected: yes. Study: VKGL Data-share Consensus. Not counted in ClinVar's aggregate classification.

NM_003738.5(PTCH2):c.840T>C (p.Ser280=)

Gene: PTCH2 (patched 2; minus strand). Cytogenetic location: 1p34.1.
Variant type: single nucleotide variant.
Coding change: c.840T>C on transcript NM_003738.5 (MANE Select); coding-DNA position 840, T replaced by C.
Protein change: p.Ser280=; no amino-acid change (serine 280 retained).
Molecular consequence: synonymous variant.
Genome position (GRCh38, 1-based): chr1:44,830,004, A>G on the plus strand (T>C on the coding strand, the complement: PTCH2 is on the minus strand). VCF-style: chr1-44830004-A-G. GRCh37 (hg19) VCF-style: chr1-45295676-A-G.
Other names: c.840T>C, p.Ser280= (NM_001166292.2).
Identifiers: ClinVar variation 239562 (VCV000239562.43), dbSNP rs147627670, ClinGen allele CA823508.